The following is an entry in ClinVar:

ClinVar aggregate classification (germline): Uncertain significance (1 of 4 stars; one submission).

gnomAD v4.1: 3 of 1,614,064 alleles (0.00019%); highest among the groups gnomAD compares: South Asian, 0.0011%; no homozygotes.

Submission:

Labcorp Genetics (formerly Invitae), Labcorp
Classification: Uncertain significance. Last evaluated: 2024-10-17. Review status: criteria provided, single submitter. Criteria: Invitae Variant Classification Sherloc (09022015). Collection method: clinical testing. Allele origin: germline.
Comment: This sequence change replaces methionine, which is neutral and non-polar, with isoleucine, which is neutral and non-polar, at codon 497 of the RIPK1 protein (p.Met497Ile). This variant is present in population databases (no rsID available, gnomAD 0.003%). This variant has not been reported in the literature in individuals affected with RIPK1-related conditions. An algorithm developed to predict the effect of missense changes on protein structure and function outputs the following: PolyPhen-2: "Benign". The isoleucine amino acid residue is found in multiple mammalian species, which suggests that this missense change does not adversely affect protein function. In summary, the available evidence is currently insufficient to determine the role of this variant in disease. Therefore, it has been classified as a Variant of Uncertain Significance.

NM_001354930.2(RIPK1):c.1491G>A (p.Met497Ile)

Gene: RIPK1 (receptor interacting serine/threonine kinase 1; plus strand). Cytogenetic location: 6p25.2.
Variant type: single nucleotide variant.
Coding change: c.1491G>A on transcript NM_001354930.2 (MANE Select); coding-DNA position 1491, G replaced by A.
Protein change: p.Met497Ile; replaces methionine 497 with isoleucine.
Molecular consequence: missense variant.
Genome position (GRCh38, 1-based): chr6:3,105,966, G>A. VCF-style: chr6-3105966-G-A. GRCh37 (hg19) VCF-style: chr6-3106200-G-A.
Other names: c.1002G>A, p.Met334Ile (NM_001317061.3, NM_001354932.2, NM_001354933.2 and 1 more transcripts); c.1353G>A, p.Met451Ile (NM_001354931.2); c.1491G>A, p.Met497Ile (NM_003804.6); short protein forms M334I, M451I, M497I.
Identifiers: ClinVar variation 3685652 (VCV003685652.2).